The following is an entry in ClinVar:

NM_001110556.2(FLNA):c.1835C>T (p.Ser612Leu)

Gene: FLNA (filamin A; minus strand). Cytogenetic location: Xq28.
Variant type: single nucleotide variant.
Coding change: c.1835C>T on transcript NM_001110556.2 (MANE Select); coding-DNA position 1835, C replaced by T.
Protein change: p.Ser612Leu; replaces serine 612 with leucine.
Molecular consequence: missense variant.
Genome position (GRCh38, 1-based): chrX:154,364,713, G>A on the plus strand (C>T on the coding strand, the complement: FLNA is on the minus strand). VCF-style: chrX-154364713-G-A. GRCh37 (hg19) VCF-style: chrX-153593081-G-A.
Other names: c.1835C>T, p.Ser612Leu (NM_001456.4); short protein forms S612L.
Identifiers: ClinVar variation 4824709 (VCV004824709.1).
Genomic context (GRCh38, chrX:154,364,713, plus strand): 5'-TCACAGGAGCCGTCGCCCTTGTCGTCACATTCGATCTTAGCCTGCGATGGCCCTTCCACC[G>A]AGAAGCCTGACAACAGCCACCAGTCCCCTCAGTGCCCTGGAGCCTCAGGGTGGGCCGTCC-3'
Protein context (NP_001104026.1, residues 602-622): IGDDVGTLGF[Ser612Leu]VEGPSQAKIE

ClinVar aggregate classification (germline): Uncertain significance (1 of 4 stars; one submission).

Conditions:
Familial thoracic aortic aneurysm and aortic dissection (TAAD). Also called: Thoracic aortic aneurysms and dissections. Identifiers: Orphanet 91387, MedGen C4707243, MONDO:0019625.

gnomAD v4.1: 4 of 1,209,448 alleles (0.00033%); highest among the groups gnomAD compares: Non-Finnish European, 0.00034%; no homozygotes.

Submission:

Ambry Genetics
Classification: Uncertain significance for Familial thoracic aortic aneurysm and aortic dissection. Last evaluated: 2026-02-13. Review status: criteria provided, single submitter. Criteria: Ambry Variant Classification Scheme 2023. Collection method: clinical testing. Allele origin: germline.
Comment: The p.S612L variant (also known as c.1835C>T), located in coding exon 12 of the FLNA gene, results from a C to T substitution at nucleotide position 1835. The serine at codon 612 is replaced by leucine, an amino acid with dissimilar properties. This amino acid position is conserved. In addition, this alteration is predicted to be deleterious by in silico analysis. Based on the available evidence, the clinical significance of this variant remains unclear.